The following is an entry in ClinVar:

ClinVar aggregate classification (germline): Uncertain significance (1 of 4 stars; one submission).

Allele frequency attached by ClinVar (database versions not stated): gnomAD exomes below 0.00001; TOPMed below 0.00001.
gnomAD v4.1: 2 of 1,613,374 alleles (0.00012%); highest among the groups gnomAD compares: Admixed American, 0.0033%; no homozygotes.

Submission:

GeneDx
Classification: Uncertain significance. Last evaluated: 2022-03-25. Review status: criteria provided, single submitter. Criteria: GeneDx Variant Classification Process June 2021. Collection method: clinical testing. Allele origin: germline. Affected: yes.
Comment: Not observed at significant frequency in large population cohorts (gnomAD); In silico analysis supports that this missense variant has a deleterious effect on protein structure/function; Has not been previously published as pathogenic or benign to our knowledge

NM_012208.4(HARS2):c.174G>T (p.Lys58Asn)

Gene: HARS2 (histidyl-tRNA synthetase 2, mitochondrial; plus strand). Cytogenetic location: 5q31.3.
Variant type: single nucleotide variant.
Coding change: c.174G>T on transcript NM_012208.4 (MANE Select); coding-DNA position 174, G replaced by T.
Protein change: p.Lys58Asn; replaces lysine 58 with asparagine.
Molecular consequence: missense variant. On other transcripts: 5 prime UTR variant (2), intron variant (1).
Genome position (GRCh38, 1-based): chr5:140,693,656, G>T. VCF-style: chr5-140693656-G-T. GRCh37 (hg19) VCF-style: chr5-140073241-G-T.
Other names: c.-37G>T (NM_001278732.2, NM_001363536.2); c.192G>T, p.Lys64Asn (NM_001363535.2); c.109-279G>T (NM_001278731.2); short protein forms K58N, K64N.
Identifiers: ClinVar variation 1707367 (VCV001707367.2), dbSNP rs1463092734, ClinGen allele CA361193790.